The following is an entry in ClinVar:

ClinVar aggregate classification (germline): Conflicting classifications of pathogenicity. Review status: criteria provided, conflicting classifications (1 of 4 stars). 16 submissions from 12 submitters: Uncertain significance (5); Benign (4); Likely benign (7). Last evaluated 2026-02-03.

Conditions:
TTN-related disorder. Also called: TTN-related condition; TTN-related disease; TTN-related disorders.
Cardiovascular phenotype. Identifiers: MedGen CN230736.
Dilated cardiomyopathy 1G (CMD1G). Identifiers: Orphanet 154, MedGen C1858763, MONDO:0011400, OMIM 604145.
Autosomal recessive limb-girdle muscular dystrophy type 2J (LGMDR10). Also called: Limb-girdle muscular dystrophy, type 2J; MUSCULAR DYSTROPHY, LIMB-GIRDLE, AUTOSOMAL RECESSIVE 10. Identifiers: Orphanet 140922, MedGen C1837342, MONDO:0012127, OMIM 608807.
Cardiomyopathy (CMYO). Also called: Cardiomyopathies. Identifiers: Orphanet 167848, MedGen C0878544, MONDO:0004994, HP:0001638. Inheritance: Various modes of inheritance.
Early-onset myopathy with fatal cardiomyopathy (CMYO5). Also called: CONGENITAL MYOPATHY 5 WITH CARDIOMYOPATHY; Salih Myopathy. Identifiers: Orphanet 289377, MedGen C2673677, MONDO:0012714, OMIM 611705. Disease mechanism: loss of function.
Tibial muscular dystrophy (TMD). Also called: Udd Distal Myopathy – Tibial Muscular Dystrophy; UDD MYOPATHY; Tibial muscular dystrophy, tardive. Identifiers: Orphanet 609, MedGen C1838244, MONDO:0010870, OMIM 600334.
Myopathy, myofibrillar, 9, with early respiratory failure (MFM9). Also called: Hereditary myopathy with early respiratory failure; EDSTROM MYOPATHY; MYOPATHY, PROXIMAL, WITH EARLY RESPIRATORY MUSCLE INVOLVEMENT; Myopathy, distal, with early respiratory failure, autosomal dominant. Identifiers: Orphanet 178464, Orphanet 34521, MedGen C1863599, MONDO:0011362, OMIM 603689.

Allele frequency attached by ClinVar (database versions not stated): 1000 Genomes Project 30x 0.00016; TOPMed 0.00017.
gnomAD v4.1: 384 of 1,613,732 alleles (0.024%); highest among the groups gnomAD compares: South Asian, 0.1%; no homozygotes.

Submissions (16):

Labcorp Genetics (formerly Invitae), Labcorp
Classification: Likely benign for Dilated cardiomyopathy 1G; Autosomal recessive limb-girdle muscular dystrophy type 2J. Last evaluated: 2026-02-03. Review status: criteria provided, single submitter. Criteria: Invitae Variant Classification Sherloc (09022015). Collection method: clinical testing. Allele origin: germline.

PreventionGenetics, part of Exact Sciences
Classification: Likely benign for TTN-related condition. Last evaluated: 2025-07-30. Review status: criteria provided, single submitter. Criteria: ACMG Guidelines, 2015. Collection method: clinical testing. Allele origin: germline.
Comment: This variant is classified as likely benign based on ACMG/AMP sequence variant interpretation guidelines (Richards et al. 2015 PMID: 25741868, with internal and published modifications).

Women's Health and Genetics/Laboratory Corporation of America, LabCorp
Classification: Likely benign. Last evaluated: 2025-06-30. Review status: criteria provided, single submitter. Criteria: LabCorp Variant Classification Summary - May 2015. Collection method: clinical testing. Allele origin: germline.
Comment: Variant summary: TTN c.74531C>A (p.Thr24844Lys) results in a non-conservative amino acid change in the encoded protein sequence. Algorithms developed to predict the effect of missense changes on protein structure and function are either unavailable or do not agree on the potential impact of this missense change. The variant allele was found at a frequency of 0.00039 in 248580 control chromosomes, predominantly at a frequency of 0.00078 within the South Asian subpopulation in the gnomAD database. The observed variant frequency within South Asian control individuals in the gnomAD database is approximately 2 fold of the estimated maximal expected allele frequency for a pathogenic variant in TTN causing Autosomal Recessive Titinopathy phenotype (0.00039). To our knowledge, no occurrence of c.74531C>A in individuals affected with Autosomal Recessive Titinopathy and no experimental evidence demonstrating its impact on protein function have been reported. ClinVar contains an entry for this variant (Variation ID: 191880). Based on the evidence outlined above, the variant was classified as likely benign.

Blueprint Genetics
Classification: Likely benign. Last evaluated: 2024-09-30. Review status: criteria provided, single submitter. Criteria: ACMG Guidelines, 2015. Collection method: clinical testing. Allele origin: germline.

Athena Diagnostics
Classification: Benign. Last evaluated: 2024-06-27. Review status: criteria provided, single submitter. Criteria: Athena Diagnostics Criteria. Collection method: clinical testing. Allele origin: unknown.

CHEO Genetics Diagnostic Laboratory, Children's Hospital of Eastern Ontario
Classification: Benign for Cardiomyopathy. Last evaluated: 2022-02-11. Review status: criteria provided, single submitter. Criteria: ACMG Guidelines, 2015. Collection method: clinical testing. Allele origin: germline.

GeneDx
Classification: Likely benign. Last evaluated: 2020-12-01. Review status: criteria provided, single submitter. Criteria: GeneDx Variant Classification Process June 2021. Collection method: clinical testing. Allele origin: germline. Affected: yes.

ARUP Laboratories, Molecular Genetics and Genomics, ARUP Laboratories
Classification: Uncertain significance. Last evaluated: 2020-01-16. Review status: criteria provided, single submitter. Criteria: ARUP Molecular Germline Variant Investigation Process. Collection method: clinical testing. Allele origin: germline.
Comment: The TTN c.82235C>A; p.Thr27412Lys variant (rs201489661; ClinVar Variation ID: 191880) is rare in the general population (<1% allele frequency in the Genome Aggregation Database) and has not been reported in the medical literature in association with dilated cardiomyopathy (DCM) or other TTN-related disease. The clinical relevance of rare missense variants in this gene, which are identified on average once per individual sequenced in affected populations (Herman 2012), is not well understood. Yet, evidence suggests that the vast majority of such missense variants do not contribute to the clinical outcome of DCM (Begay 2015). Thus, the clinical significance of the p.Thr27412Lys variant cannot be determined with certainty. References: Begay RL et al. Role of Titin Missense Variants in Dilated Cardiomyopathy. J Am Heart Assoc. 2015 Nov 13;4(11). Herman DS et al. Truncations of titin causing dilated cardiomyopathy. N Engl J Med. 2012 Feb 16;366(7):619-28. Linke and Hamdani. Gigantic business: titin properties and function through thick and thin. Circ Res 2014; 114(6): 1052-1068.

Ambry Genetics
Classification: Likely benign for Cardiovascular phenotype. Last evaluated: 2019-11-19. Review status: criteria provided, single submitter. Criteria: Ambry Variant Classification Scheme 2023. Collection method: clinical testing. Allele origin: germline.

Illumina Laboratory Services, Illumina
Classification: Uncertain significance for Autosomal recessive limb-girdle muscular dystrophy type 2J. Last evaluated: 2018-01-12. Review status: criteria provided, single submitter. Criteria: ICSL Variant Classification Criteria 13 December 2019. Collection method: clinical testing. Allele origin: germline.

Illumina Laboratory Services, Illumina
Classification: Benign for Myopathy, myofibrillar, 9, with early respiratory failure. Last evaluated: 2018-01-12. Review status: criteria provided, single submitter. Criteria: ICSL Variant Classification Criteria 13 December 2019. Collection method: clinical testing. Allele origin: germline.
Comment: This variant was observed in the ICSL laboratory as part of a predisposition screen in an ostensibly healthy population. It had not been previously curated by ICSL or reported in the Human Gene Mutation Database (HGMD: prior to June 1st, 2018), and was therefore a candidate for classification through an automated scoring system. Utilizing variant allele frequency, disease prevalence and penetrance estimates, and inheritance mode, an automated score was calculated to assess if this variant is too frequent to cause the disease. Based on the score and internal cut-off values, a variant classified as benign is not then subjected to further curation. The score for this variant resulted in a classification of benign for this disease.

Illumina Laboratory Services, Illumina
Classification: Uncertain significance for Early-onset myopathy with fatal cardiomyopathy. Last evaluated: 2018-01-12. Review status: criteria provided, single submitter. Criteria: ICSL Variant Classification Criteria 13 December 2019. Collection method: clinical testing. Allele origin: germline.

Illumina Laboratory Services, Illumina
Classification: Uncertain significance for Dilated cardiomyopathy 1G. Last evaluated: 2018-01-12. Review status: criteria provided, single submitter. Criteria: ICSL Variant Classification Criteria 13 December 2019. Collection method: clinical testing. Allele origin: germline.

Illumina Laboratory Services, Illumina
Classification: Benign for Tibial muscular dystrophy. Last evaluated: 2018-01-12. Review status: criteria provided, single submitter. Criteria: ICSL Variant Classification Criteria 13 December 2019. Collection method: clinical testing. Allele origin: germline.
Comment: the same text as in the submission from Illumina Laboratory Services, Illumina above.

Eurofins Ntd Llc (ga)
Classification: Likely benign. Last evaluated: 2017-06-12. Review status: criteria provided, single submitter. Criteria: EGL Classification Definitions 2015. Collection method: clinical testing. Allele origin: germline. Observed: 2 variant alleles, 2 heterozygotes.

Biesecker Lab/Clinical Genomics Section, National Institutes of Health
Classification: Uncertain significance. Last evaluated: 2013-06-24. Review status: criteria provided, single submitter. Criteria: Ng et al. (Circ Cardiovasc Genet. 2013). Collection method: research. Allele origin: unknown. Observed: 1 variant allele. Study: ClinSeq.
Comment: The study set was not selected for affection status in relation to any cancer. Pathogenicity categories were based on literature curation. See Pubmed ID:23861362 for details.

Medical sequencing

Literature cited by the submitters: PubMed 29420653 (cited by Athena Diagnostics).

NM_001267550.2(TTN):c.82235C>A (p.Thr27412Lys)

Genes: TTN-AS1 (TTN antisense RNA 1; plus strand), TTN (titin; minus strand). Cytogenetic location: 2q31.2.
Variant type: single nucleotide variant.
Coding change: c.82235C>A on transcript NM_001267550.2 (MANE Select); coding-DNA position 82235, C replaced by A.
Protein change: p.Thr27412Lys; replaces threonine 27412 with lysine.
Molecular consequence: missense variant.
Genome position (GRCh38, 1-based): chr2:178,563,897, G>T on the plus strand (C>A on the coding strand, the complement: TTN is on the minus strand). VCF-style: chr2-178563897-G-T. GRCh37 (hg19) VCF-style: chr2-179428624-G-T.
Other names: p.T25771K:ACA>AAA; c.82235C>A (LRG_391t1); c.77312C>A, p.Thr25771Lys (NM_001256850.1); c.55040C>A, p.Thr18347Lys (NM_003319.4); c.74531C>A, p.Thr24844Lys (NM_133378.4); c.55415C>A, p.Thr18472Lys (NM_133432.3); c.55616C>A, p.Thr18539Lys (NM_133437.4); short protein forms T24844K, T27412K, T25771K, T18347K, T18539K, T18472K.
Identifiers: ClinVar variation 191880 (VCV000191880.35), dbSNP rs201489661, ClinGen allele CA302434.